The following is an entry in ClinVar:

NC_000016.9:g.(?_23532074)_(23568672_?)dup

Gene: EARS2 (glutamyl-tRNA synthetase 2, mitochondrial; minus strand). Cytogenetic location: 16p12.2.
Variant type: Duplication.
Identifiers: ClinVar variation 2637421 (VCV002637421.1).

ClinVar aggregate classification (germline): Uncertain significance (1 of 4 stars; one submission).

Submission:

Women's Health and Genetics/Laboratory Corporation of America, LabCorp
Classification: Uncertain significance. Last evaluated: 2023-10-03. Review status: criteria provided, single submitter. Criteria: LabCorp Variant Classification Summary - May 2015. Collection method: clinical testing. Allele origin: germline.
Comment: Variant summary: The variant identified by MLPA or other technology involves the duplication of exons 1-9 (i.e. the full coding sequence) of the EARS2 gene. A presumed nomenclature of c.(?_-8)_(*3618_?)dup has been designated for the purposes of this classification. It has been assumed that this is a tandem duplication in direct orientation (Richardson_GIM_2018, Newman_AJHG_2015). Since exact breakpoints of this duplication are not known, it might extend beyond the assayed region of the EARS2 gene, including other flanking genes. The variant was absent in 21694 control chromosomes (gnomAD, structural variants dataset). The available data on variant occurrences in the general population are insufficient to allow any conclusion about variant significance. To our knowledge, no occurrence of c.(?_-8)_(*3618_?)dup in individuals affected with Leukoencephalopathy-Thalamus And Brainstem Anomalies-High Lactate Syndrome and no experimental evidence demonstrating its impact on protein function have been reported. No submitters have cited clinical-significance assessments for this variant to ClinVar after 2014. Based on the evidence outlined above, the variant was classified as uncertain significance.